The following is an entry in ClinVar:

NM_000426.4(LAMA2):c.6768_6771dup (p.Ser2258fs)

Gene: LAMA2 (laminin subunit alpha 2; plus strand). Cytogenetic location: 6q22.33.
Variant type: Duplication.
Coding change: c.6768_6771dup on transcript NM_000426.4 (MANE Select); coding-DNA positions 6768 to 6771, 4 bases duplicated (GCCC; older notation c.6768_6771dupGCCC).
Protein change: p.Ser2258fs; shifts the reading frame from serine 2258.
Molecular consequence: frameshift variant.
Genome position (GRCh38, 1-based): chr6:129,456,395-129,456,398, GCCC duplicated. VCF-style (leftmost placement, unchanged base first): chr6-129456394-T-TGCCC. GRCh37 (hg19) VCF-style: chr6-129777539-T-TGCCC.
Other names: c.6768_6771dup, p.Ser2258fs (NM_001079823.2); short protein forms S2258fs.
Identifiers: ClinVar variation 2720427 (VCV002720427.3), dbSNP rs2533424772, ClinGen allele CA2697553706.

ClinVar aggregate classification (germline): Pathogenic (1 of 4 stars; one submission).

Conditions:
LAMA2-related muscular dystrophy (LAMA2-RD). Also called: Laminin alpha 2-related dystrophy. Identifiers: MedGen C5679788, MONDO:0100228.

Submission:

Labcorp Genetics (formerly Invitae), Labcorp
Classification: Pathogenic for LAMA2-related muscular dystrophy. Last evaluated: 2023-06-23. Review status: criteria provided, single submitter. Criteria: Invitae Variant Classification Sherloc (09022015). Collection method: clinical testing. Allele origin: germline.
Comment: This sequence change creates a premature translational stop signal (p.Ser2258Alafs*36) in the LAMA2 gene. It is expected to result in an absent or disrupted protein product. Loss-of-function variants in LAMA2 are known to be pathogenic (PMID: 18700894, 32904964). For these reasons, this variant has been classified as Pathogenic. This variant has not been reported in the literature in individuals affected with LAMA2-related conditions. This variant is not present in population databases (gnomAD no frequency).

Literature cited by the submitters: PubMed 18700894; PubMed 32904964.